The following is an entry in ClinVar:

NM_004380.3(CREBBP):c.762G>A (p.Ala254=)

Gene: CREBBP (CREB binding lysine acetyltransferase; minus strand). Cytogenetic location: 16p13.3.
Variant type: single nucleotide variant.
Coding change: c.762G>A on transcript NM_004380.3 (MANE Select); coding-DNA position 762, G replaced by A.
Protein change: p.Ala254=; no amino-acid change (alanine 254 retained).
Molecular consequence: synonymous variant.
Genome position (GRCh38, 1-based): chr16:3,850,333, C>T on the plus strand (G>A on the coding strand, the complement: CREBBP is on the minus strand). VCF-style: chr16-3850333-C-T. GRCh37 (hg19) VCF-style: chr16-3900334-C-T.
Other names: c.762G>A, p.Ala254= (NM_001079846.1).
Identifiers: ClinVar variation 1759889 (VCV001759889.5), dbSNP rs781270134, ClinGen allele CA7870614.

ClinVar aggregate classification (germline): Likely benign. Review status: criteria provided, multiple submitters, no conflicts (2 of 4 stars). 3 submissions from 3 submitters: Likely benign (2). 1 of the submissions does not count toward it. Last evaluated 2026-02-01.

Conditions:
Rubinstein-Taybi syndrome (RSTS). Identifiers: Orphanet 783, MedGen C0035934, MONDO:0019188.
CREBBP-related disorder. Also called: CREBBP-related condition; CREBBP-related disorders.
Inborn genetic diseases. Identifiers: MedGen C0950123, MeSH D030342.

Allele frequency attached by ClinVar (database versions not stated): gnomAD exomes 0.00001; ExAC 0.00002.
gnomAD v4.1: 15 of 1,614,212 alleles (0.00093%); highest among the groups gnomAD compares: Middle Eastern, 0.016%; no homozygotes.

Submissions (3):

Labcorp Genetics (formerly Invitae), Labcorp
Classification: Likely benign for Rubinstein-Taybi syndrome. Last evaluated: 2026-02-01. Review status: criteria provided, single submitter. Criteria: Invitae Variant Classification Sherloc (09022015). Collection method: clinical testing. Allele origin: germline.

Ambry Genetics
Classification: Likely benign for Inborn genetic diseases. Last evaluated: 2018-01-30. Review status: criteria provided, single submitter. Criteria: Ambry Variant Classification Scheme 2023. Collection method: clinical testing. Allele origin: germline.

PreventionGenetics, part of Exact Sciences
Classification: Likely benign for CREBBP-related condition. Last evaluated: 2020-09-29. Review status: no assertion criteria provided. Collection method: clinical testing. Allele origin: germline. Not counted in ClinVar's aggregate classification.
Comment: This variant is classified as likely benign based on ACMG/AMP sequence variant interpretation guidelines (Richards et al. 2015 PMID: 25741868, with internal and published modifications).